The following is an entry in ClinVar:

NM_002661.5(PLCG2):c.1127G>A (p.Arg376Gln)

Gene: PLCG2 (phospholipase C gamma 2; plus strand). Cytogenetic location: 16q23.3.
Variant type: single nucleotide variant.
Coding change: c.1127G>A on transcript NM_002661.5 (MANE Select); coding-DNA position 1127, G replaced by A.
Protein change: p.Arg376Gln; replaces arginine 376 with glutamine.
Molecular consequence: missense variant.
Genome position (GRCh38, 1-based): chr16:81,895,861, G>A. VCF-style: chr16-81895861-G-A. GRCh37 (hg19) VCF-style: chr16-81929466-G-A.
Other names: c.1127G>A (NM_002661.3); short protein forms R376Q.
Identifiers: ClinVar variation 1003896 (VCV001003896.9), dbSNP rs1908861048, ClinGen allele CA396899026.

ClinVar aggregate classification (germline): Uncertain significance. Review status: criteria provided, multiple submitters, no conflicts (2 of 4 stars). 2 submissions from 2 submitters: Uncertain significance (2). Last evaluated 2025-03-03.

Conditions:
Inborn genetic diseases. Identifiers: MedGen C0950123, MeSH D030342.
Familial cold autoinflammatory syndrome 3 (FCAS3). Also called: FAMILIAL ATYPICAL COLD URTICARIA; ANTIBODY DEFICIENCY AND IMMUNE DYSREGULATION, PLCG2-ASSOCIATED. Identifiers: Orphanet 300359, MedGen C3280914, MONDO:0013766, OMIM 614468.

gnomAD v4.1: 2 of 1,614,078 alleles (0.00012%); highest among the groups gnomAD compares: Non-Finnish European, 0.00017%; no homozygotes.

Submissions (2):

Labcorp Genetics (formerly Invitae), Labcorp
Classification: Uncertain significance for Familial cold autoinflammatory syndrome 3. Last evaluated: 2025-03-03. Review status: criteria provided, single submitter. Criteria: Invitae Variant Classification Sherloc (09022015). Collection method: clinical testing. Allele origin: germline.
Comment: This sequence change replaces arginine, which is basic and polar, with glutamine, which is neutral and polar, at codon 376 of the PLCG2 protein (p.Arg376Gln). This variant is not present in population databases (gnomAD no frequency). This variant has not been reported in the literature in individuals affected with PLCG2-related conditions. ClinVar contains an entry for this variant (Variation ID: 1003896). An algorithm developed to predict the effect of missense changes on protein structure and function (PolyPhen-2) suggests that this variant is likely to be disruptive. In summary, the available evidence is currently insufficient to determine the role of this variant in disease. Therefore, it has been classified as a Variant of Uncertain Significance.

Ambry Genetics
Classification: Uncertain significance for Inborn genetic diseases. Last evaluated: 2023-11-07. Review status: criteria provided, single submitter. Criteria: Ambry Variant Classification Scheme 2023. Collection method: clinical testing. Allele origin: germline.